The following is an entry in ClinVar:

NM_000138.5(FBN1):c.7655G>T (p.Cys2552Phe)

Gene: FBN1 (fibrillin 1; minus strand). Cytogenetic location: 15q21.1.
Variant type: single nucleotide variant.
Coding change: c.7655G>T on transcript NM_000138.5 (MANE Select); coding-DNA position 7655, G replaced by T.
Protein change: p.Cys2552Phe; replaces cysteine 2552 with phenylalanine.
Molecular consequence: missense variant.
Genome position (GRCh38, 1-based): chr15:48,421,602, C>A on the plus strand (G>T on the coding strand, the complement: FBN1 is on the minus strand). VCF-style: chr15-48421602-C-A. GRCh37 (hg19) VCF-style: chr15-48713799-C-A.
Other names: short protein forms C2552F.
Identifiers: ClinVar variation 843462 (VCV000843462.9), dbSNP rs113334360, ClinGen allele CA392325100.

ClinVar aggregate classification (germline): Likely pathogenic (1 of 4 stars; one submission).

Conditions:
Familial thoracic aortic aneurysm and aortic dissection (TAAD). Also called: Thoracic aortic aneurysms and dissections. Identifiers: Orphanet 91387, MedGen C4707243, MONDO:0019625.
Marfan syndrome (MFS). Also called: FBN1-Related Marfan Syndrome; Marfan's syndrome; MARFAN SYNDROME, TYPE I; Marfan syndrome type 1; Marfan syndrome, classic. Identifiers: Orphanet 284963, Orphanet 558, MedGen C0024796, MONDO:0007947, OMIM 154700.

Submission:

Labcorp Genetics (formerly Invitae), Labcorp
Classification: Likely pathogenic for Marfan syndrome; Familial thoracic aortic aneurysm and aortic dissection. Last evaluated: 2019-11-21. Review status: criteria provided, single submitter. Criteria: Invitae Variant Classification Sherloc (09022015). Collection method: clinical testing. Allele origin: germline.
Comment: In summary, the currently available evidence indicates that the variant is pathogenic, but additional data are needed to prove that conclusively. Therefore, this variant has been classified as Likely Pathogenic. This variant affects a cysteine residue in the EGF-like, TGFBP or hybrid motif domains of FBN1. Cysteine residues are believed to be involved in intramolecular disulfide bridges and have been shown to be important for FBN1 protein structure (PMID: 16905551, 19349279). In addition, missense substitutions affecting cysteine residues within these domains are significantly overrepresented among patients with Marfan syndrome (PMID: 16571647, 17701892). This variant disrupts the p.Cys2552 amino acid residue in FBN1. Other variant(s) that disrupt this residue have been observed in individuals with FBN1-related conditions (Invitae), which suggests that this may be a clinically significant amino acid residue. This sequence change replaces cysteine with phenylalanine at codon 2552 of the FBN1 protein (p.Cys2552Phe). The cysteine residue is highly conserved and there is a large physicochemical difference between cysteine and phenylalanine. This variant is not present in population databases (ExAC no frequency). This variant has been observed in individual(s) with clinical features of Marfan syndrome (Invitae). Algorithms developed to predict the effect of missense changes on protein structure and function are either unavailable or do not agree on the potential impact of this missense change (SIFT: "Deleterious"; PolyPhen-2: "Probably Damaging"; Align-GVGD: "Class C0").

Literature cited by the submitters: PubMed 16905551; PubMed 19349279; PubMed 16571647; PubMed 17701892.